The following is an entry in ClinVar:

NM_001267550.2(TTN):c.46308C>G (p.Tyr15436Ter)

Genes: TTN (titin; minus strand), TTN-AS1 (TTN antisense RNA 1; plus strand). Cytogenetic location: 2q31.2.
Variant type: single nucleotide variant.
Coding change: c.46308C>G on transcript NM_001267550.2 (MANE Select); coding-DNA position 46308, C replaced by G.
Protein change: p.Tyr15436Ter; replaces tyrosine 15436 with a stop codon.
Molecular consequence: nonsense. On other transcripts: non-coding transcript variant (1).
Genome position (GRCh38, 1-based): chr2:178,620,109, G>C on the plus strand (C>G on the coding strand, the complement: TTN is on the minus strand). VCF-style: chr2-178620109-G-C. GRCh37 (hg19) VCF-style: chr2-179484836-G-C.
Other names: c.41385C>G, p.Tyr13795Ter (NM_001256850.1); c.19113C>G, p.Tyr6371Ter (NM_003319.4); c.38604C>G, p.Tyr12868Ter (NM_133378.4); c.19488C>G, p.Tyr6496Ter (NM_133432.3); c.19689C>G, p.Tyr6563Ter (NM_133437.4); short protein forms Y12868*, Y13795*, Y15436*, Y6371*, Y6496*, Y6563*.
Identifiers: ClinVar variation 3382006 (VCV003382006.3).

ClinVar aggregate classification (germline): Likely pathogenic (1 of 4 stars; one submission).

Conditions:
Dilated cardiomyopathy 1G (CMD1G). Identifiers: Orphanet 154, MedGen C1858763, MONDO:0011400, OMIM 604145.
Hypertrophic cardiomyopathy 9. Also called: Familial hypertrophic cardiomyopathy 9. Identifiers: MedGen C1861065, MONDO:0013412, OMIM 613765.
Early-onset myopathy with fatal cardiomyopathy (CMYO5). Also called: Salih Myopathy; CONGENITAL MYOPATHY 5 WITH CARDIOMYOPATHY. Identifiers: Orphanet 289377, MedGen C2673677, MONDO:0012714, OMIM 611705. Disease mechanism: loss of function.
Tibial muscular dystrophy (TMD). Also called: Tibial muscular dystrophy, tardive; Udd Distal Myopathy – Tibial Muscular Dystrophy; UDD MYOPATHY. Identifiers: Orphanet 609, MedGen C1838244, MONDO:0010870, OMIM 600334.
Autosomal recessive limb-girdle muscular dystrophy type 2J (LGMDR10). Also called: MUSCULAR DYSTROPHY, LIMB-GIRDLE, AUTOSOMAL RECESSIVE 10; Limb-girdle muscular dystrophy, type 2J. Identifiers: Orphanet 140922, MedGen C1837342, MONDO:0012127, OMIM 608807.
Myopathy, myofibrillar, 9, with early respiratory failure (MFM9). Also called: EDSTROM MYOPATHY; Myopathy, distal, with early respiratory failure, autosomal dominant; Hereditary myopathy with early respiratory failure; MYOPATHY, PROXIMAL, WITH EARLY RESPIRATORY MUSCLE INVOLVEMENT. Identifiers: Orphanet 178464, Orphanet 34521, MedGen C1863599, MONDO:0011362, OMIM 603689.

Submission:

Juno Genomics, Hangzhou Juno Genomics, Inc
Classification: Likely pathogenic for Early-onset myopathy with fatal cardiomyopathy; Dilated cardiomyopathy 1G; Hypertrophic cardiomyopathy 9; Autosomal recessive limb-girdle muscular dystrophy type 2J; Myopathy, myofibrillar, 9, with early respiratory failure; Tibial muscular dystrophy. Review status: criteria provided, single submitter. Criteria: ACMG Guidelines, 2015. Collection method: clinical testing. Allele origin: germline.
Comment: Null variant in a gene where loss of function (LOF) is a known mechanism of disease.;Absent from controls (or at extremely low frequency if recessive) in Genome Aggregation Database.